The following is an entry in ClinVar:

NM_015443.4(KANSL1):c.2366G>A (p.Arg789Gln)

Gene: KANSL1 (KAT8 regulatory NSL complex subunit 1). Cytogenetic location: 17q21.31.
Variant type: single nucleotide variant.
Coding change: c.2366G>A on transcript NM_015443.4 (MANE Select); coding-DNA position 2366, G replaced by A.
Protein change: p.Arg789Gln; replaces arginine 789 with glutamine.
Molecular consequence: missense variant. On other transcripts: intron variant (8).
Genome position (GRCh38, 1-based): chr17:46,039,053, C>T on the plus strand (G>A on the coding strand, the complement: KANSL1 is on the minus strand). VCF-style: chr17-46039053-C-T. GRCh37 (hg19) VCF-style: chr17-44116419-C-T.
Other names: c.2366G>A, p.Arg789Gln (NM_001193465.2, NM_001193466.2, NM_001379198.1 and 8 more transcripts); c.2264G>A, p.Arg755Gln (NM_001405859.1, NM_001405860.1, NM_001405861.1 and 1 more transcripts); c.1100G>A, p.Arg367Gln (NM_001405882.1, NM_001405883.1); c.938-367G>A (NM_001405885.1, NM_001405884.1); c.2204-367G>A (NM_001405879.1, NM_001405875.1, NM_001405878.1 and 3 more transcripts); short protein forms R789Q, R367Q, R755Q.
Identifiers: ClinVar variation 2804883 (VCV002804883.3), dbSNP rs2146362190, ClinGen allele CA399980851.

ClinVar aggregate classification (germline): Uncertain significance (1 of 4 stars; one submission).

Conditions:
Koolen-de Vries syndrome (KDVS). Identifiers: Orphanet 96169, MedGen C1864871, MONDO:0012496, OMIM 610443.

gnomAD v4.1: 6 of 1,611,388 alleles (0.00037%); highest among the groups gnomAD compares: Non-Finnish European, 0.00034%; no homozygotes.

Submission:

Labcorp Genetics (formerly Invitae), Labcorp
Classification: Uncertain significance for Koolen-de Vries syndrome. Last evaluated: 2023-08-16. Review status: criteria provided, single submitter. Criteria: Invitae Variant Classification Sherloc (09022015). Collection method: clinical testing. Allele origin: germline.
Comment: This sequence change replaces arginine, which is basic and polar, with glutamine, which is neutral and polar, at codon 789 of the KANSL1 protein (p.Arg789Gln). This variant is not present in population databases (gnomAD no frequency). This variant has not been reported in the literature in individuals affected with KANSL1-related conditions. Advanced modeling of protein sequence and biophysical properties (such as structural, functional, and spatial information, amino acid conservation, physicochemical variation, residue mobility, and thermodynamic stability) performed at Invitae indicates that this missense variant is not expected to disrupt KANSL1 protein function. In summary, the available evidence is currently insufficient to determine the role of this variant in disease. Therefore, it has been classified as a Variant of Uncertain Significance.